The following is an entry in ClinVar:

NM_000493.4(COL10A1):c.1946del (p.Gln649fs)

Genes: COL10A1 (collagen type X alpha 1 chain; minus strand), NT5DC1 (5'-nucleotidase domain containing 1; plus strand). Cytogenetic location: 6q22.1.
Variant type: Deletion.
Coding change: c.1946del on transcript NM_000493.4 (MANE Select); coding-DNA position 1946, one base deleted (A; older notation c.1946delA).
Protein change: p.Gln649fs; shifts the reading frame from glutamine 649.
Molecular consequence: frameshift variant. On other transcripts: intron variant (1).
Genome position (GRCh38, 1-based): chr6:116,120,170, T deleted on the plus strand (A on the coding strand, the reverse complement: COL10A1 is on the minus strand). VCF-style (leftmost placement, unchanged base first): chr6-116120169-CT-C. GRCh37 (hg19) VCF-style: chr6-116441332-CT-C.
Other names: c.1946del, p.Gln649fs (NM_001424106.1, NM_001424107.1); c.529+2225del (NM_152729.3); short protein forms Q649fs.
Identifiers: ClinVar variation 2046660 (VCV002046660.4), dbSNP rs2534083728, ClinGen allele CA2580074794.

ClinVar aggregate classification (germline): Likely pathogenic (1 of 4 stars; one submission).

Submission:

Labcorp Genetics (formerly Invitae), Labcorp
Classification: Likely pathogenic. Last evaluated: 2023-12-19. Review status: criteria provided, single submitter. Criteria: Invitae Variant Classification Sherloc (09022015). Collection method: clinical testing. Allele origin: germline.
Comment: This sequence change creates a premature translational stop signal (p.Gln649Argfs*28) in the COL10A1 gene. While this is not anticipated to result in nonsense mediated decay, it is expected to disrupt the last 32 amino acid(s) of the COL10A1 protein. This variant is not present in population databases (gnomAD no frequency). This variant has not been reported in the literature in individuals affected with COL10A1-related conditions. ClinVar contains an entry for this variant (Variation ID: 2046660). This variant is located in a region of the COL10A1 protein where a significant number of COL10A1 nonsense and frameshift mutations have been reported in association with autosomal dominant metaphyseal chondrodysplasia (PMID: 21447328, 33764685, 36400164). In summary, the currently available evidence indicates that the variant is pathogenic, but additional data are needed to prove that conclusively. Therefore, this variant has been classified as Likely Pathogenic.

Literature cited by the submitters: PubMed 21447328; PubMed 33764685; PubMed 36400164.